The following is an entry in ClinVar:

ClinVar aggregate classification (germline): Uncertain significance (1 of 4 stars; one submission).

Submission:

Labcorp Genetics (formerly Invitae), Labcorp
Classification: Uncertain significance. Last evaluated: 2021-10-31. Review status: criteria provided, single submitter. Criteria: Invitae Variant Classification Sherloc (09022015). Collection method: clinical testing. Allele origin: germline.
Comment: This variant, c.1966_1967insTGAAGGAAGAAGCAAAGTCCCCTGAGAAGGCCAAGTCCCCTGAGAAGGCCAAGTCCCCAG, results in the insertion of 20 amino acid(s) of the NEFH protein (p.Pro655_Glu656insValLysGluGluAlaLysSerProGluLysAlaLysSerProGluLysAlaLysSerPro), but otherwise preserves the integrity of the reading frame. In summary, the available evidence is currently insufficient to determine the role of this variant in disease. Therefore, it has been classified as a Variant of Uncertain Significance. This variant has not been reported in the literature in individuals affected with NEFH-related conditions. This variant is not present in population databases (gnomAD no frequency).

NM_021076.4(NEFH):c.1966_1967insTGAAGGAAGAAGCAAAGTCCCCTGAGAAGGCCAAGTCCCCTGAGAAGGCCAAGTCCCCAG (p.Pro655_Glu656insValLysGluGluAlaLysSerProGluLysAlaLysSerProGluLysAlaLysSerPro)

Gene: NEFH (neurofilament heavy chain; plus strand). Cytogenetic location: 22q12.2.
Variant type: Insertion.
Coding change: c.1966_1967insTGAAGGAAGAAGCAAAGTCCCCTGAGAAGGCCAAGTCCCCTGAGAAGGCCAAGTCCCCAG on transcript NM_021076.4 (MANE Select); coding-DNA positions 1966 to 1967, TGAAGGAAGAAGCAAAGTCCCCTGAGAAGGCCAAGTCCCCTGAGAAGGCCAAGTCCCCAG inserted.
Protein change: p.Pro655_Glu656insValLysGluGluAlaLysSerProGluLysAlaLysSerProGluLysAlaLysSerPro.
Molecular consequence: inframe insertion.
Genome position: GRCh38: chr22:29,489,606-29,489,607. GRCh37 (hg19): chr22:29,885,595-29,885,596.
Identifiers: ClinVar variation 1464929 (VCV001464929.6), dbSNP rs2146400177, ClinGen allele CA2573158083.